The following is an entry in ClinVar:

NM_001370259.2(MEN1):c.911A>G (p.Lys304Arg)

Gene: MEN1 (menin 1; minus strand). Cytogenetic location: 11q13.1.
Variant type: single nucleotide variant.
Coding change: c.911A>G on transcript NM_001370259.2 (MANE Select); coding-DNA position 911, A replaced by G.
Protein change: p.Lys304Arg; replaces lysine 304 with arginine.
Molecular consequence: missense variant. On other transcripts: non-coding transcript variant (4).
Genome position (GRCh38, 1-based): chr11:64,807,012, T>C on the plus strand (A>G on the coding strand, the complement: MEN1 is on the minus strand). VCF-style: chr11-64807012-T-C. GRCh37 (hg19) VCF-style: chr11-64574484-T-C.
Other names: c.926A>G, p.Lys309Arg (NM_000244.4, NM_001407145.1, NM_001407150.1 and 5 more transcripts); c.911A>G, p.Lys304Arg (NM_001370251.2, NM_001370260.2, NM_001370261.2 and 7 more transcripts); c.806A>G, p.Lys269Arg (NM_001370262.2, NM_001370263.2, NM_001407148.1 and 2 more transcripts); short protein forms K269R, K304R, K309R.
Identifiers: ClinVar variation 4826521 (VCV004826521.1).

ClinVar aggregate classification (germline): Uncertain significance (1 of 4 stars; one submission).

Conditions:
Hereditary cancer-predisposing syndrome. Also called: Neoplastic Syndromes, Hereditary; Tumor predisposition; Hereditary Cancer Syndrome; Hereditary neoplastic syndrome. Identifiers: Orphanet 140162, MedGen C0027672, MeSH D009386, MONDO:0015356.

Submission:

Ambry Genetics
Classification: Uncertain significance for Hereditary cancer-predisposing syndrome. Last evaluated: 2026-03-13. Review status: criteria provided, single submitter. Criteria: Ambry Variant Classification Scheme 2023. Collection method: clinical testing. Allele origin: germline.
Comment: The c.911A>G variant (also known as p.K304R), located in coding exon 5 of the MEN1 gene, results from an A to G substitution at nucleotide position 911. The lysine at codon 304 is replaced by arginine, an amino acid with highly similar properties. This nucleotide position is highly conserved in available vertebrate species. In silico splice site analysis predicts that this alteration will weaken the native splice donor site; however, direct evidence is insufficient at this time (Ambry internal data). This amino acid position is highly conserved in available vertebrate species. In addition, the in silico prediction for this alteration is inconclusive. This variant was reported in individual(s) with features consistent with multiple endocrine neoplasia type 1 (Ambry internal data). Based on the available evidence, the clinical significance of this variant remains unclear.